The following is an entry in ClinVar:

GRCh37/hg19 Xp22.31(chrX:6453209-8132826)x3

Genes: PNPLA4 (patatin like phospholipase domain containing 4; minus strand), PUDP (pseudouridine 5'-phosphatase; minus strand), STS (steroid sulfatase; plus strand), VCX (variable charge X-linked; plus strand). Cytogenetic location: Xp22.31.
Variant type: copy number gain.
Change: copy number 3 of chrX:6,453,209-8,132,826 (1.68 Mb, GRCh37 coordinates, 1-based), cytogenetic band Xp22.31.
Identifiers: ClinVar variation 1328461 (VCV001328461.4).

ClinVar aggregate classification (germline): Uncertain significance (1 of 4 stars; one submission).

Submission:

Illumina Laboratory Services, Illumina
Classification: Uncertain significance. Last evaluated: 2020-11-03. Review status: criteria provided, single submitter. Criteria: ICSL CNVClassificationCriteria Aug2020. Collection method: clinical testing. Allele origin: unknown.
Comment: This CNV is a 1.7 Mb triplication of Xp22.31 on the X chromosome, (seq[GRCh37]trp(X)(p22.31); chrX:g.6453209_8132826trp), of unknown inheritance. This triplication affects four protein coding genes, HDHD1, PNPLA4, STS, and VCX, and is consistent with the Xp22.31 recurrent region. Gains of this region have been described in the literature in association with developmental delay, intellectual disability, and seizures, among other features (Esplin et al. 2014; Brinciotti et al. 2018). However, a consistent, specific clinical phenotype has not been delineated, and case-control studies have not found a significant enrichment of gains of this region in the clinical population (Li et al. 2010; Liu et al. 2011). In addition, while a few reports of a de novo occurence of the gain exist (Faletra et al. 2011; Liu et al. 2011), it is commonly inherited from an unaffected parent (Furrow et al. 2011). However, it was proposed that higher copy numbers of the Xp22.31 recurrent region may be associated with higher penetrance (Liu et al. 2011; Polo-Antunez et al. 2017), and triplication of this region has been reported in at least two male probands with developmental delay, behavioral abnormalities, and/or hypotonia (Liu et al. 2011). Based on the available evidence, this CNV is classified as a variant of uncertain significance.

Literature cited by the submitters: PubMed 20132918; PubMed 21355048; PubMed 21739574; PubMed 22140086; PubMed 24800990; PubMed 28690489; PubMed 30603611.